The following is an entry in ClinVar:

NM_001042492.3(NF1):c.2852T>C (p.Val951Ala)

Gene: NF1 (neurofibromin 1; plus strand). Cytogenetic location: 17q11.2.
Variant type: single nucleotide variant.
Coding change: c.2852T>C on transcript NM_001042492.3 (MANE Select); coding-DNA position 2852, T replaced by C.
Protein change: p.Val951Ala; replaces valine 951 with alanine.
Molecular consequence: missense variant.
Genome position (GRCh38, 1-based): chr17:31,229,836, T>C. VCF-style: chr17-31229836-T-C. GRCh37 (hg19) VCF-style: chr17-29556854-T-C.
Other names: c.2852T>C, p.Val951Ala (NM_000267.4); short protein forms V951A.
Identifiers: ClinVar variation 2829053 (VCV002829053.3), dbSNP rs2151430460, ClinGen allele CA398985956.

ClinVar aggregate classification (germline): Uncertain significance (1 of 4 stars; one submission).

Conditions:
Neurofibromatosis, type 1 (NF1). Also called: VON RECKLINGHAUSEN DISEASE; NEUROFIBROMATOSIS, TYPE I, SOMATIC; Neurofibromatosis, type I; Peripheral type neurofibromatosis. Identifiers: Orphanet 636, MedGen C0027831, MONDO:0018975, OMIM 162200. Disease mechanism: loss of function.

Submission:

Labcorp Genetics (formerly Invitae), Labcorp
Classification: Uncertain significance for Neurofibromatosis, type 1. Last evaluated: 2023-01-16. Review status: criteria provided, single submitter. Criteria: Invitae Variant Classification Sherloc (09022015). Collection method: clinical testing. Allele origin: germline.
Comment: This variant is not present in population databases (gnomAD no frequency). This sequence change replaces valine, which is neutral and non-polar, with alanine, which is neutral and non-polar, at codon 951 of the NF1 protein (p.Val951Ala). This variant has not been reported in the literature in individuals affected with NF1-related conditions. In summary, the available evidence is currently insufficient to determine the role of this variant in disease. Therefore, it has been classified as a Variant of Uncertain Significance. Algorithms developed to predict the effect of missense changes on protein structure and function are either unavailable or do not agree on the potential impact of this missense change (SIFT: "Tolerated"; PolyPhen-2: "Probably Damaging"; Align-GVGD: "Class C0").